The following is an entry in ClinVar:

NM_000489.6(ATRX):c.1103C>G (p.Ser368Cys)

Gene: ATRX (ATRX chromatin remodeler; minus strand). Cytogenetic location: Xq21.1.
Variant type: single nucleotide variant.
Coding change: c.1103C>G on transcript NM_000489.6 (MANE Select); coding-DNA position 1103, C replaced by G.
Protein change: p.Ser368Cys; replaces serine 368 with cysteine.
Molecular consequence: missense variant.
Genome position (GRCh38, 1-based): chrX:77,684,153, G>C on the plus strand (C>G on the coding strand, the complement: ATRX is on the minus strand). VCF-style: chrX-77684153-G-C. GRCh37 (hg19) VCF-style: chrX-76939645-G-C.
Other names: c.989C>G, p.Ser330Cys (NM_138270.5); short protein forms S330C, S368C.
Identifiers: ClinVar variation 3598432 (VCV003598432.2).

ClinVar aggregate classification (germline): Uncertain significance. Review status: criteria provided, multiple submitters, no conflicts (2 of 4 stars). 2 submissions from 2 submitters: Uncertain significance (2). Last evaluated 2025-08-29.

Conditions:
Alpha thalassemia-X-linked intellectual disability syndrome (ATRX). Also called: ALPHA-THALASSEMIA/MENTAL RETARDATION SYNDROME, X-LINKED; ATR, NONDELETION TYPE; ATR-X syndrome; Alpha thalassemia mental retardation syndrome, nondeletion type, X-linked; XLMR hypotonic face syndrome; X-linked alpha-thalassemia-mental retardation syndrome. Identifiers: Orphanet 847, MedGen C1845055, MONDO:0010519, OMIM 301040.
Intellectual disability-hypotonic facies syndrome, X-linked, 1 (MRXHF1). Also called: CHUDLEY-LOWRY SYNDROME; Chudley syndrome 1; Chudley-Lowry-Hoar syndrome; Carpenter-Waziri syndrome; XLMR-HYPOTONIC FACIES SYNDROME; X-linked intellectual disability-hypotonic face syndrome. Identifiers: Orphanet 73220, Orphanet 93970, Orphanet 93971, Orphanet 93972, Orphanet 93973, Orphanet 93974, Orphanet 93975, MedGen C4759781, MONDO:0010663, OMIM 309580.
Acquired hemoglobin H disease (ATMDS). Also called: Alpha-thalassemia myelodysplasia syndrome; Alpha-thalassemia myelodysplasia syndrome, somatic; Alpha-thalassemia-myelodysplastic syndrome. Identifiers: Orphanet 231401, MedGen C0585216, MONDO:0010328, OMIM 300448.

gnomAD v4.1: 5 of 1,207,681 alleles (0.00041%); highest among the groups gnomAD compares: African/African-American, 0.0017%; no homozygotes.

Submissions (2):

Labcorp Genetics (formerly Invitae), Labcorp
Classification: Uncertain significance for Alpha thalassemia-X-linked intellectual disability syndrome. Last evaluated: 2025-08-29. Review status: criteria provided, single submitter. Criteria: Invitae Variant Classification Sherloc (09022015). Collection method: clinical testing. Allele origin: germline.
Comment: This sequence change replaces serine, which is neutral and polar, with cysteine, which is neutral and slightly polar, at codon 368 of the ATRX protein (p.Ser368Cys). This variant is not present in population databases (gnomAD no frequency). This variant has not been reported in the literature in individuals affected with ATRX-related conditions. ClinVar contains an entry for this variant (Variation ID: 3598432). Invitae Evidence Modeling of protein sequence and biophysical properties (such as structural, functional, and spatial information, amino acid conservation, physicochemical variation, residue mobility, and thermodynamic stability) indicates that this missense variant is not expected to disrupt ATRX protein function with a negative predictive value of 95%. In summary, the available evidence is currently insufficient to determine the role of this variant in disease. Therefore, it has been classified as a Variant of Uncertain Significance.

Fulgent Genetics
Classification: Uncertain significance for Acquired hemoglobin H disease; Alpha thalassemia-X-linked intellectual disability syndrome; Intellectual disability-hypotonic facies syndrome, X-linked, 1. Last evaluated: 2024-01-31. Review status: criteria provided, single submitter. Criteria: ACMG Guidelines, 2015. Collection method: clinical testing. Allele origin: germline.